The following is an entry in ClinVar:

NM_002454.3(MTRR):c.527G>C (p.Arg176Thr)

Gene: MTRR (5-methyltetrahydrofolate-homocysteine methyltransferase reductase; plus strand). Cytogenetic location: 5p15.31.
Variant type: single nucleotide variant.
Coding change: c.527G>C on transcript NM_002454.3 (MANE Select); coding-DNA position 527, G replaced by C.
Protein change: p.Arg176Thr; replaces arginine 176 with threonine.
Molecular consequence: missense variant. On other transcripts: non-coding transcript variant (14).
Genome position (GRCh38, 1-based): chr5:7,878,069, G>C. VCF-style: chr5-7878069-G-C. GRCh37 (hg19) VCF-style: chr5-7878182-G-C.
Other names: c.527G>C, p.Arg176Thr (NM_001364440.2, NM_001364441.2, NM_001364442.2 and 1 more transcripts); short protein forms R176T.
Identifiers: ClinVar variation 1431912 (VCV001431912.5), dbSNP rs1182297284, ClinGen allele CA359156919.
Genomic context (GRCh38, chr5:7,878,069, plus strand): 5'-CAAGCAGAGGACAAGAGGAGATAAGTGGCGCACTCCCGGTGGCATCACCTGCATCCTCGA[G>C]GACAGACCTTGTGAAGTCAGAGCTGCTACACATTGAATCTCAAGTCGAGCTTCTGAGATT-3'
Protein context (NP_002445.2, residues 166-186): ALPVASPASS[Arg176Thr]TDLVKSELLH

ClinVar aggregate classification (germline): Uncertain significance (1 of 4 stars; one submission).

Conditions:
Methylcobalamin deficiency type cblE (HMAE). Also called: HOMOCYSTINURIA-MEGALOBLASTIC ANEMIA, cblE COMPLEMENTATION TYPE; HOMOCYSTINURIA-MEGALOBLASTIC ANEMIA, cblE TYPE; VITAMIN B12-RESPONSIVE HOMOCYSTINURIA, cblE TYPE. Identifiers: Orphanet 2169, Orphanet 622, MedGen C1856057, MONDO:0009354, OMIM 236270.

Allele frequency attached by ClinVar (database versions not stated): gnomAD exomes below 0.00001 and 0.00001.

Submission:

Labcorp Genetics (formerly Invitae), Labcorp
Classification: Uncertain significance for Methylcobalamin deficiency type cblE. Last evaluated: 2022-07-06. Review status: criteria provided, single submitter. Criteria: Invitae Variant Classification Sherloc (09022015). Collection method: clinical testing. Allele origin: germline.
Comment: This sequence change replaces arginine, which is basic and polar, with threonine, which is neutral and polar, at codon 176 of the MTRR protein (p.Arg176Thr). This variant is present in population databases (no rsID available, gnomAD 0.002%). This variant has not been reported in the literature in individuals affected with MTRR-related conditions. ClinVar contains an entry for this variant (Variation ID: 1431912). Algorithms developed to predict the effect of missense changes on protein structure and function output the following: SIFT: "Tolerated"; PolyPhen-2: "Benign"; Align-GVGD: "Class C0". The threonine amino acid residue is found in multiple mammalian species, which suggests that this missense change does not adversely affect protein function. In summary, the available evidence is currently insufficient to determine the role of this variant in disease. Therefore, it has been classified as a Variant of Uncertain Significance.